The following is an entry in ClinVar:

ClinVar aggregate classification (germline): Uncertain significance (1 of 4 stars; one submission).

Submission:

Labcorp Genetics (formerly Invitae), Labcorp
Classification: Uncertain significance. Last evaluated: 2024-07-10. Review status: criteria provided, single submitter. Criteria: Invitae Variant Classification Sherloc (09022015). Collection method: clinical testing. Allele origin: germline.
Comment: This sequence change replaces serine, which is neutral and polar, with arginine, which is basic and polar, at codon 268 of the NACC1 protein (p.Ser268Arg). This variant is not present in population databases (gnomAD no frequency). This variant has not been reported in the literature in individuals affected with NACC1-related conditions. Advanced modeling of protein sequence and biophysical properties (such as structural, functional, and spatial information, amino acid conservation, physicochemical variation, residue mobility, and thermodynamic stability) performed at Invitae indicates that this missense variant is not expected to disrupt NACC1 protein function with a negative predictive value of 80%. In summary, the available evidence is currently insufficient to determine the role of this variant in disease. Therefore, it has been classified as a Variant of Uncertain Significance.

NM_052876.4(NACC1):c.804C>G (p.Ser268Arg)

Gene: NACC1 (nucleus accumbens associated 1; plus strand). Cytogenetic location: 19p13.13.
Variant type: single nucleotide variant.
Coding change: c.804C>G on transcript NM_052876.4 (MANE Select); coding-DNA position 804, C replaced by G.
Protein change: p.Ser268Arg; replaces serine 268 with arginine.
Molecular consequence: missense variant.
Genome position (GRCh38, 1-based): chr19:13,136,011, C>G. VCF-style: chr19-13136011-C-G. GRCh37 (hg19) VCF-style: chr19-13246825-C-G.
Other names: short protein forms S268R.
Identifiers: ClinVar variation 3658731 (VCV003658731.2).